The following is an entry in ClinVar:

NM_024741.3(ZNF408):c.389C>T (p.Thr130Ile)

Gene: ZNF408 (zinc finger protein 408; plus strand). Cytogenetic location: 11p11.2.
Variant type: single nucleotide variant.
Coding change: c.389C>T on transcript NM_024741.3 (MANE Select); coding-DNA position 389, C replaced by T.
Protein change: p.Thr130Ile; replaces threonine 130 with isoleucine.
Molecular consequence: missense variant.
Genome position (GRCh38, 1-based): chr11:46,702,762, C>T. VCF-style: chr11-46702762-C-T. GRCh37 (hg19) VCF-style: chr11-46724312-C-T.
Other names: c.365C>T, p.Thr122Ile (NM_001184751.2); short protein forms T122I, T130I.
Identifiers: ClinVar variation 1311839 (VCV001311839.12), dbSNP rs751580055, ClinGen allele CA5966327.
Genomic context (GRCh38, chr11:46,702,762, plus strand): 5'-AGAACCTGTCATTAGGCCCATGGGGAGACGTGTGTGCCTGTGAGCAGAGTTCTGGCTGGA[C>T]TAGGTAAGTCAGAGGAGAGTGTGTCGTTCCTTTGAGGTTTTCTGTTGTGGTTTGGGATGG-3'
Protein context (NP_079017.1, residues 120-140): VCACEQSSGW[Thr130Ile]SLVQRGRLES

ClinVar aggregate classification (germline): Conflicting classifications of pathogenicity. Review status: criteria provided, conflicting classifications (1 of 4 stars). 4 submissions from 4 submitters: Uncertain significance (3); Likely benign (1). Last evaluated 2025-03-10.

Conditions:
Inborn genetic diseases. Identifiers: MedGen C0950123, MeSH D030342.

Allele frequency attached by ClinVar (database versions not stated): ExAC 0.00005; TOPMed 0.00005; gnomAD 0.00007 and 0.00008; gnomAD exomes 0.00010.
gnomAD v4.1: 89 of 1,614,026 alleles (0.0055%); highest among the groups gnomAD compares: Non-Finnish European, 0.0012%; no homozygotes.

Submissions (4):

Labcorp Genetics (formerly Invitae), Labcorp
Classification: Uncertain significance. Last evaluated: 2025-03-10. Review status: criteria provided, single submitter. Criteria: Invitae Variant Classification Sherloc (09022015). Collection method: clinical testing. Allele origin: germline.
Comment: This sequence change replaces threonine, which is neutral and polar, with isoleucine, which is neutral and non-polar, at codon 130 of the ZNF408 protein (p.Thr130Ile). This variant is present in population databases (rs751580055, gnomAD 0.2%). This variant has not been reported in the literature in individuals affected with ZNF408-related conditions. ClinVar contains an entry for this variant (Variation ID: 1311839). An algorithm developed to predict the effect of missense changes on protein structure and function outputs the following: PolyPhen-2: "Benign". The isoleucine amino acid residue is found in multiple mammalian species, which suggests that this missense change does not adversely affect protein function. In summary, the available evidence is currently insufficient to determine the role of this variant in disease. Therefore, it has been classified as a Variant of Uncertain Significance.

Blueprint Genetics
Classification: Likely benign. Last evaluated: 2024-04-25. Review status: criteria provided, single submitter. Criteria: ACMG Guidelines, 2015. Collection method: clinical testing. Allele origin: germline.

Ambry Genetics
Classification: Uncertain significance for Inborn genetic diseases. Last evaluated: 2023-01-10. Review status: criteria provided, single submitter. Criteria: Ambry Variant Classification Scheme 2023. Collection method: clinical testing. Allele origin: germline.

GeneDx
Classification: Uncertain significance. Last evaluated: 2020-02-03. Review status: criteria provided, single submitter. Criteria: GeneDx Variant Classification Process June 2021. Collection method: clinical testing. Allele origin: germline. Affected: yes.
Comment: In silico analysis supports that this missense variant does not alter protein structure/function; Has not been previously published as pathogenic or benign to our knowledge